The following is an entry in ClinVar:

NM_133642.5(LARGE1):c.2087T>C (p.Ile696Thr)

Gene: LARGE1 (LARGE xylosyl- and glucuronyltransferase 1; minus strand). Cytogenetic location: 22q12.3.
Variant type: single nucleotide variant.
Coding change: c.2087T>C on transcript NM_133642.5 (MANE Select); coding-DNA position 2087, T replaced by C.
Protein change: p.Ile696Thr; replaces isoleucine 696 with threonine.
Molecular consequence: missense variant.
Genome position (GRCh38, 1-based): chr22:33,274,611, A>G on the plus strand (T>C on the coding strand, the complement: LARGE1 is on the minus strand). VCF-style: chr22-33274611-A-G. GRCh37 (hg19) VCF-style: chr22-33670597-A-G.
Other names: c.2087T>C, p.Ile696Thr (NM_001362949.2, NM_001362951.2, NM_001362953.2 and 4 more transcripts); c.1940T>C, p.Ile647Thr (NM_001378627.1, NM_001378628.1); c.1931T>C, p.Ile644Thr (NM_001378629.1); c.1484T>C, p.Ile495Thr (NM_001378630.1); c.1181T>C, p.Ile394Thr (NM_001378631.1); short protein forms I696T, I394T, I495T, I644T, I647T.
Identifiers: ClinVar variation 464473 (VCV000464473.8), dbSNP rs200212868, ClinGen allele CA10202561.
Genomic context (GRCh38, chr22:33,274,611, plus strand): 5'-TTGGTAATGTCGAAGCTGGGGGCATGAGGCATGTGGATCATGTAGGCGTTGGGCAGCACA[A>G]TGAACTCATACTCCTGGAAGAAGACAAGAGCAGCGTGAGAACCCGCAAGAGCCGAGGGTC-3'
Protein context (NP_598397.1, residues 686-706): MELDVQEYEF[Ile696Thr]VLPNAYMIHM

ClinVar aggregate classification (germline): Uncertain significance. Review status: criteria provided, multiple submitters, no conflicts (2 of 4 stars). 2 submissions from 2 submitters: Uncertain significance (2). Last evaluated 2025-07-11.

Conditions:
Muscular dystrophy-dystroglycanopathy type B6 (MDDGB6). Also called: MUSCULAR DYSTROPHY-DYSTROGLYCANOPATHY (CONGENITAL WITH IMPAIRED INTELLECTUAL DEVELOPMENT), TYPE B, 6; MUSCULAR DYSTROPHY, CONGENITAL, LARGE-RELATED; MUSCULAR DYSTROPHY, CONGENITAL, TYPE 1D. Identifiers: MedGen C1837229, MONDO:0012138, OMIM 608840.

Allele frequency attached by ClinVar (database versions not stated): gnomAD exomes below 0.00001 and 0.00001; ExAC 0.00001; gnomAD 0.00001; TOPMed 0.00002.
gnomAD v4.1: 7 of 1,614,080 alleles (0.00043%); highest among the groups gnomAD compares: Admixed American, 0.0083%; no homozygotes.

Submissions (2):

GeneDx
Classification: Uncertain significance. Last evaluated: 2025-07-11. Review status: criteria provided, single submitter. Criteria: GeneDx Variant Classification Process June 2021. Collection method: clinical testing. Allele origin: germline. Affected: yes.
Comment: Not observed at significant frequency in large population cohorts (gnomAD); In silico analysis suggests that this missense variant does not alter protein structure/function; Has not been previously published as pathogenic or benign to our knowledge; This variant is associated with the following publications: (PMID: 24709677, 25279699)

Labcorp Genetics (formerly Invitae), Labcorp
Classification: Uncertain significance for Muscular dystrophy-dystroglycanopathy type B6. Last evaluated: 2023-12-11. Review status: criteria provided, single submitter. Criteria: Invitae Variant Classification Sherloc (09022015). Collection method: clinical testing. Allele origin: germline.
Comment: This sequence change replaces isoleucine, which is neutral and non-polar, with threonine, which is neutral and polar, at codon 696 of the LARGE protein (p.Ile696Thr). This variant is present in population databases (rs200212868, gnomAD 0.006%). This variant has not been reported in the literature in individuals affected with LARGE-related conditions. ClinVar contains an entry for this variant (Variation ID: 464473). Advanced modeling of protein sequence and biophysical properties (such as structural, functional, and spatial information, amino acid conservation, physicochemical variation, residue mobility, and thermodynamic stability) performed at Invitae indicates that this missense variant is not expected to disrupt LARGE protein function with a negative predictive value of 80%. In summary, the available evidence is currently insufficient to determine the role of this variant in disease. Therefore, it has been classified as a Variant of Uncertain Significance.